The following is an entry in ClinVar:

ClinVar aggregate classification (germline): Pathogenic. Review status: criteria provided, single submitter (1 of 4 stars). 2 submissions from 2 submitters: Pathogenic (1). 1 of the submissions does not count toward it. Last evaluated 2024-04-18.

Conditions:
Amyotrophic lateral sclerosis type 6. Also called: AMYOTROPHIC LATERAL SCLEROSIS 6 WITHOUT FRONTOTEMPORAL DEMENTIA; Amyotrophic lateral sclerosis 6, with or without frontotemporal dementia; FUS-Related Amyotrophic Laterial Sclerosis. Identifiers: Orphanet 275872, Orphanet 803, MedGen C2931786, MONDO:0011951, OMIM 608030.
Tremor, hereditary essential, 4 (ETM4). Identifiers: MedGen C3539195, MONDO:0013888, OMIM 614782.

Submissions (2):

Labcorp Genetics (formerly Invitae), Labcorp
Classification: Pathogenic for Tremor, hereditary essential, 4; Amyotrophic lateral sclerosis type 6. Last evaluated: 2024-04-18. Review status: criteria provided, single submitter. Criteria: Invitae Variant Classification Sherloc (09022015). Collection method: clinical testing. Allele origin: germline.
Comment: This sequence change replaces arginine, which is basic and polar, with lysine, which is basic and polar, at codon 518 of the FUS protein (p.Arg518Lys). This variant is not present in population databases (gnomAD no frequency). This missense change has been observed in individual(s) with amyotrophic lateral sclerosis (PMID: 19251627, 33408239). It has also been observed to segregate with disease in related individuals. ClinVar contains an entry for this variant (Variation ID: 16223). An algorithm developed to predict the effect of missense changes on protein structure and function (PolyPhen-2) suggests that this variant is likely to be tolerated. For these reasons, this variant has been classified as Pathogenic.

OMIM
Classification: Pathogenic for AMYOTROPHIC LATERAL SCLEROSIS 6 WITHOUT FRONTOTEMPORAL DEMENTIA. Last evaluated: 2009-02-27. Review status: no assertion criteria provided. Collection method: literature only. Allele origin: germline. Not counted in ClinVar's aggregate classification.

Literature cited by the submitters: PubMed 19251627 (cited by Labcorp Genetics (formerly Invitae), Labcorp and OMIM); PubMed 33408239 (cited by Labcorp Genetics (formerly Invitae), Labcorp).

NM_004960.4(FUS):c.1553G>A (p.Arg518Lys)

Gene: FUS (FUS RNA binding protein; plus strand). Cytogenetic location: 16p11.2.
Variant type: single nucleotide variant.
Coding change: c.1553G>A on transcript NM_004960.4 (MANE Select); coding-DNA position 1553, G replaced by A.
Protein change: p.Arg518Lys; replaces arginine 518 with lysine.
Molecular consequence: missense variant. On other transcripts: non-coding transcript variant (1).
Genome position (GRCh38, 1-based): chr16:31,191,410, G>A. VCF-style: chr16-31191410-G-A. GRCh37 (hg19) VCF-style: chr16-31202731-G-A.
Other names: c.1550G>A, p.Arg517Lys (NM_001170634.1); c.1541G>A, p.Arg514Lys (NM_001170937.1); short protein forms R518K, R514K, R517K.
Identifiers: ClinVar variation 16223 (VCV000016223.3), dbSNP rs121909669, ClinGen allele CA257439.